The following is an entry in ClinVar:

NM_001005242.3(PKP2):c.1679C>T (p.Thr560Met)

Gene: PKP2 (plakophilin 2; minus strand). Cytogenetic location: 12p11.21.
Variant type: single nucleotide variant.
Coding change: c.1679C>T on transcript NM_001005242.3 (MANE Select); coding-DNA position 1679, C replaced by T.
Protein change: p.Thr560Met; replaces threonine 560 with methionine.
Molecular consequence: missense variant.
Genome position (GRCh38, 1-based): chr12:32,822,627, G>A on the plus strand (C>T on the coding strand, the complement: PKP2 is on the minus strand). VCF-style: chr12-32822627-G-A. GRCh37 (hg19) VCF-style: chr12-32975561-G-A.
Other names: c.1811C>T, p.Thr604Met (NM_004572.4); short protein forms T604M, T560M.
Identifiers: ClinVar variation 464414 (VCV000464414.18), dbSNP rs373360192, ClinGen allele CA031003.

ClinVar aggregate classification (germline): Uncertain significance. Review status: criteria provided, multiple submitters, no conflicts (2 of 4 stars). 4 submissions from 4 submitters: Uncertain significance (4). Last evaluated 2026-02-01.

Conditions:
Cardiovascular phenotype. Identifiers: MedGen CN230736.
Arrhythmogenic right ventricular cardiomyopathy (ARVD). Also called: Cardiomyopathy, ARVC; Arrhythmogenic right ventricular dysplasia; Arrhythmogenic cardiomyopathy; Arrhythmogenic Right Ventricular Cardiomyopathy (ARVC). Identifiers: Orphanet 247, MedGen C0349788, MeSH D019571, MONDO:0016587. Disease mechanism: loss of function. Inheritance: Various modes of inheritance.
Cardiomyopathy (CMYO). Also called: Cardiomyopathies. Identifiers: Orphanet 167848, MedGen C0878544, MONDO:0004994, HP:0001638. Inheritance: Various modes of inheritance.
Arrhythmogenic right ventricular dysplasia 9 (ARVD9). Also called: Arrhythmogenic Right Ventricular Dysplasia/Cardiomyopathy 9; ARRHYTHMOGENIC RIGHT VENTRICULAR DYSPLASIA, FAMILIAL, 9. Identifiers: MedGen C1836906, MONDO:0012180, OMIM 609040.

Allele frequency attached by ClinVar (database versions not stated): gnomAD exomes 0.00002 and 0.00005; gnomAD 0.00003; TOPMed 0.00003; ExAC 0.00004; ESP Exome Variant Server 0.00008.
gnomAD v4.1: 37 of 1,613,790 alleles (0.0023%); highest among the groups gnomAD compares: Admixed American, 0.0083%; no homozygotes.

Submissions (4):

Labcorp Genetics (formerly Invitae), Labcorp
Classification: Uncertain significance for Arrhythmogenic right ventricular dysplasia 9. Last evaluated: 2026-02-01. Review status: criteria provided, single submitter. Criteria: Invitae Variant Classification Sherloc (09022015). Collection method: clinical testing. Allele origin: germline.
Comment: This sequence change replaces threonine, which is neutral and polar, with methionine, which is neutral and non-polar, at codon 604 of the PKP2 protein (p.Thr604Met). This variant is present in population databases (rs373360192, gnomAD 0.01%). This variant has not been reported in the literature in individuals affected with PKP2-related conditions. ClinVar contains an entry for this variant (Variation ID: 464414). An algorithm developed to predict the effect of missense changes on protein structure and function (PolyPhen-2) suggests that this variant is likely to be disruptive. In summary, the available evidence is currently insufficient to determine the role of this variant in disease. Therefore, it has been classified as a Variant of Uncertain Significance.

Ambry Genetics
Classification: Uncertain significance for Cardiovascular phenotype. Last evaluated: 2025-02-27. Review status: criteria provided, single submitter. Criteria: Ambry Variant Classification Scheme 2023. Collection method: clinical testing. Allele origin: germline.
Comment: The p.T604M variant (also known as c.1811C>T), located in coding exon 9 of the PKP2 gene, results from a C to T substitution at nucleotide position 1811. The threonine at codon 604 is replaced by methionine, an amino acid with similar properties. This amino acid position is highly conserved in available vertebrate species. In addition, the in silico prediction for this alteration is inconclusive. Since supporting evidence is limited at this time, the clinical significance of this alteration remains unclear.

All of Us Research Program, National Institutes of Health
Classification: Uncertain significance for Arrhythmogenic right ventricular cardiomyopathy. Last evaluated: 2024-08-13. Review status: criteria provided, single submitter. Criteria: ACMG Guidelines, 2015. Collection method: clinical testing. Allele origin: germline. Inheritance: Autosomal dominant inheritance. Observed: 7 variant alleles, 7 heterozygotes.
Comment: This missense variant replaces threonine with methionine at codon 604 of the PKP2 protein. Computational prediction is inconclusive regarding the impact of this variant on protein structure and function (internally defined REVEL score threshold 0.5 < inconclusive < 0.7, PMID: 27666373). To our knowledge, functional studies have not been reported for this variant. This variant has not been reported in individuals affected with cardiovascular disorders in the literature. This variant has been identified in 12/251114 chromosomes in the general population by the Genome Aggregation Database (gnomAD). The available evidence is insufficient to determine the role of this variant in disease conclusively. Therefore, this variant is classified as a Variant of Uncertain Significance.

This study involves interpretation of variants in research participants for the purpose of population health screening. Participant phenotype was not available at the time of variant classification. Additional details can be found in publication PMID: 35346344, PMCID: PMC8962531

Color Diagnostics, LLC DBA Color Health
Classification: Uncertain significance for Cardiomyopathy. Last evaluated: 2024-07-31. Review status: criteria provided, single submitter. Criteria: ACMG Guidelines, 2015. Collection method: clinical testing. Allele origin: germline.
Comment: This missense variant replaces threonine with methionine at codon 604 of the PKP2 protein. Computational prediction tools indicate that this variant's impact on protein structure and function is inconclusive. To our knowledge, functional studies have not been reported for this variant. This variant has not been reported in individuals affected with PKP2-related disorders in the literature. This variant has been identified in 12/251114 chromosomes in the general population by the Genome Aggregation Database (gnomAD). The available evidence is insufficient to determine the role of this variant in disease conclusively. Therefore, this variant is classified as a Variant of Uncertain Significance.